The following is an entry in ClinVar:

NC_000023.10:g.(?_31983146)_(32756908_?)del

Gene: DMD (dystrophin; minus strand). Cytogenetic location: Xp21.1.
Variant type: Deletion.
Identifiers: ClinVar variation 2424940 (VCV002424940.5).

ClinVar aggregate classification (germline): Pathogenic (1 of 4 stars; one submission).

Conditions:
Duchenne muscular dystrophy (DMD). Also called: Duchenne Muscular Dystrophy (DMD); MUSCULAR DYSTROPHY, PSEUDOHYPERTROPHIC PROGRESSIVE, DUCHENNE TYPE. Identifiers: Orphanet 98896, MedGen C0013264, MONDO:0010679, OMIM 310200.

Submission:

Labcorp Genetics (formerly Invitae), Labcorp
Classification: Pathogenic for Duchenne muscular dystrophy. Last evaluated: 2021-11-21. Review status: criteria provided, single submitter. Criteria: Invitae Variant Classification Sherloc (09022015). Collection method: clinical testing. Allele origin: germline.
Comment: For these reasons, this variant has been classified as Pathogenic. A similar copy number variant has been observed in individual(s) with Duchenne muscular dystrophy (PMID: 16950195). This variant is a gross deletion of the genomic region encompassing exon(s) 8-45 of the DMD gene. This deletion is out-of-frame, and is expected to create a premature termination codon and result in an absent or disrupted protein product. Loss-of-function variants in DMD are known to be pathogenic (PMID: 16770791, 25007885).

Literature cited by the submitters: PubMed 16950195; PubMed 16770791; PubMed 25007885.